The following is an entry in ClinVar:

ClinVar aggregate classification (germline): Benign (0 of 4 stars; one submission).

Conditions:
MRPS28-related disorder. Also called: MRPS28-related condition.

Allele frequency attached by ClinVar (database versions not stated): gnomAD exomes 0.00146; ExAC 0.00468; gnomAD 0.01588; ESP Exome Variant Server 0.01722; TOPMed 0.01789; 1000 Genomes Project 0.01897; 1000 Genomes Project 30x 0.02124.
gnomAD v4.1: 4,659 of 1,610,154 alleles (0.29%); highest among the groups gnomAD compares: African/African-American, 5.2%; 110 homozygotes.

Submission:

PreventionGenetics, part of Exact Sciences
Classification: Benign for MRPS28-related condition. Last evaluated: 2019-11-11. Review status: no assertion criteria provided. Collection method: clinical testing. Allele origin: germline.
Comment: This variant is classified as benign based on ACMG/AMP sequence variant interpretation guidelines (Richards et al. 2015 PMID: 25741868, with internal and published modifications).

NM_014018.3(MRPS28):c.265C>T (p.Leu89Phe)

Genes: MRPS28 (mitochondrial ribosomal protein S28; minus strand), TPD52-MRPS28 (TPD52-MRPS28 readthrough; minus strand). Cytogenetic location: 8q21.13.
Variant type: single nucleotide variant.
Coding change: c.265C>T on transcript NM_014018.3 (MANE Select); coding-DNA position 265, C replaced by T.
Protein change: p.Leu89Phe; replaces leucine 89 with phenylalanine.
Molecular consequence: missense variant.
Genome position (GRCh38, 1-based): chr8:80,003,129, G>A on the plus strand (C>T on the coding strand, the complement: MRPS28 is on the minus strand). VCF-style: chr8-80003129-G-A. GRCh37 (hg19) VCF-style: chr8-80915364-G-A.
Other names: c.487C>T, p.Leu163Phe (NM_001387778.1); short protein forms L163F, L89F.
Identifiers: ClinVar variation 3037884 (VCV003037884.2), dbSNP rs115541997, ClinGen allele CA4789979.